The following is an entry in ClinVar:

ClinVar aggregate classification (germline): Uncertain significance (1 of 4 stars; one submission).

Conditions:
Baller-Gerold syndrome (BGS). Also called: CRANIOSYNOSTOSIS WITH RADIAL DEFECTS. Identifiers: Orphanet 1225, MedGen C0265308, MONDO:0009039, OMIM 218600.

Allele frequency attached by ClinVar (database versions not stated): gnomAD exomes 0.00001 and 0.00002; ExAC 0.00001.
gnomAD v4.1: 8 of 1,612,242 alleles (0.0005%); highest among the groups gnomAD compares: Admixed American, 0.0033%; no homozygotes.

Submission:

Labcorp Genetics (formerly Invitae), Labcorp
Classification: Uncertain significance for Baller-Gerold syndrome. Last evaluated: 2025-04-28. Review status: criteria provided, single submitter. Criteria: Invitae Variant Classification Sherloc (09022015). Collection method: clinical testing. Allele origin: germline.
Comment: This sequence change replaces serine, which is neutral and polar, with leucine, which is neutral and non-polar, at codon 286 of the RECQL4 protein (p.Ser286Leu). This variant is present in population databases (rs757320755, gnomAD 0.006%). This variant has not been reported in the literature in individuals affected with RECQL4-related conditions. ClinVar contains an entry for this variant (Variation ID: 849723). Invitae Evidence Modeling of protein sequence and biophysical properties (such as structural, functional, and spatial information, amino acid conservation, physicochemical variation, residue mobility, and thermodynamic stability) indicates that this missense variant is not expected to disrupt RECQL4 protein function with a negative predictive value of 80%. In summary, the available evidence is currently insufficient to determine the role of this variant in disease. Therefore, it has been classified as a Variant of Uncertain Significance.

NM_004260.4(RECQL4):c.857C>T (p.Ser286Leu)

Gene: RECQL4 (RecQ like helicase 4; minus strand). Cytogenetic location: 8q24.3.
Variant type: single nucleotide variant.
Coding change: c.857C>T on transcript NM_004260.4 (MANE Select); coding-DNA position 857, C replaced by T.
Protein change: p.Ser286Leu; replaces serine 286 with leucine.
Molecular consequence: missense variant.
Genome position (GRCh38, 1-based): chr8:144,516,262, G>A on the plus strand (C>T on the coding strand, the complement: RECQL4 is on the minus strand). VCF-style: chr8-144516262-G-A. GRCh37 (hg19) VCF-style: chr8-145741646-G-A.
Other names: short protein forms S286L.
Identifiers: ClinVar variation 849723 (VCV000849723.6), dbSNP rs757320755, ClinGen allele CA4949163.